The following is an entry in ClinVar:

NM_015295.3(SMCHD1):c.3563C>G (p.Pro1188Arg)

Gene: SMCHD1 (structural maintenance of chromosomes flexible hinge domain containing 1; plus strand). Cytogenetic location: 18p11.32.
Variant type: single nucleotide variant.
Coding change: c.3563C>G on transcript NM_015295.3 (MANE Select); coding-DNA position 3563, C replaced by G.
Protein change: p.Pro1188Arg; replaces proline 1188 with arginine.
Molecular consequence: missense variant.
Genome position (GRCh38, 1-based): chr18:2,740,751, C>G. VCF-style: chr18-2740751-C-G. GRCh37 (hg19) VCF-style: chr18-2740749-C-G.
Other names: short protein forms P1188R.
Identifiers: ClinVar variation 642258 (VCV000642258.8), dbSNP rs1598391266, ClinGen allele CA401688573.

ClinVar aggregate classification (germline): Uncertain significance (1 of 4 stars; one submission).

Conditions:
Facioscapulohumeral muscular dystrophy 2 (FSHD2). Also called: FACIOSCAPULOHUMERAL MUSCULAR DYSTROPHY 2, DIGENIC; FSHD2, DIGENIC; MUSCULAR DYSTROPHY, FACIOSCAPULOHUMERAL, TYPE 1B. Identifiers: Orphanet 269, MedGen C1834671, MONDO:0008031, OMIM 158901.

Submission:

Labcorp Genetics (formerly Invitae), Labcorp
Classification: Uncertain significance for Facioscapulohumeral muscular dystrophy 2. Last evaluated: 2018-11-08. Review status: criteria provided, single submitter. Criteria: Invitae Variant Classification Sherloc (09022015). Collection method: clinical testing. Allele origin: germline.
Comment: In summary, the available evidence is currently insufficient to determine the role of this variant in disease. Therefore, it has been classified as a Variant of Uncertain Significance. Algorithms developed to predict the effect of missense changes on protein structure and function are either unavailable or do not agree on the potential impact of this missense change (SIFT: "Deleterious"; PolyPhen-2: "Benign"; Align-GVGD: "Class C15"). This sequence change replaces proline with arginine at codon 1188 of the SMCHD1 protein (p.Pro1188Arg). The proline residue is moderately conserved and there is a moderate physicochemical difference between proline and arginine. This variant is not present in population databases (ExAC no frequency). This variant has not been reported in the literature in individuals with SMCHD1-related disease.